The following is an entry in ClinVar:

ClinVar aggregate classification (germline): Uncertain significance (1 of 4 stars; one submission).

Conditions:
Arrhythmogenic right ventricular dysplasia 13. Also called: Arrhythmogenic right ventricular dysplasia, familial, 13; ARRHYTHMOGENIC RIGHT VENTRICULAR CARDIOMYOPATHY 13. Identifiers: MedGen C3810138, MONDO:0000908, OMIM 615616.

Submission:

Labcorp Genetics (formerly Invitae), Labcorp
Classification: Uncertain significance for Arrhythmogenic right ventricular dysplasia 13. Last evaluated: 2019-12-22. Review status: criteria provided, single submitter. Criteria: Invitae Variant Classification Sherloc (09022015). Collection method: clinical testing. Allele origin: germline.
Comment: In summary, the available evidence is currently insufficient to determine the role of this variant in disease. Therefore, it has been classified as a Variant of Uncertain Significance. Experimental studies and prediction algorithms are not available or were not evaluated, and the functional significance of this variant is currently unknown. This variant has not been reported in the literature in individuals with CTNNA3-related conditions. This variant is not present in population databases (ExAC no frequency). This sequence change replaces serine with asparagine at codon 596 of the CTNNA3 protein (p.Ser596Asn). The serine residue is weakly conserved and there is a small physicochemical difference between serine and asparagine.

NM_013266.4(CTNNA3):c.1787_1788delinsAT (p.Ser596Asn)

Gene: CTNNA3 (catenin alpha 3; minus strand). Cytogenetic location: 10q21.3.
Variant type: Indel.
Coding change: c.1787_1788delinsAT on transcript NM_013266.4 (MANE Select); coding-DNA positions 1787 to 1788, GC replaced by AT.
Protein change: p.Ser596Asn; replaces serine 596 with asparagine.
Molecular consequence: missense variant.
Genome position (GRCh38, 1-based): chr10:66,280,566-66,280,567, GC replaced by AT on the plus strand (GC replaced by AT on the coding strand, the reverse complement: CTNNA3 is on the minus strand). VCF-style: chr10-66280566-GC-AT. GRCh37 (hg19) VCF-style: chr10-68040324-GC-AT.
Other names: c.1787_1788delinsAT, p.Ser596Asn (NM_001127384.3); short protein forms S596N.
Identifiers: ClinVar variation 847317 (VCV000847317.8), dbSNP rs2091475179, ClinGen allele CA916083135.